The following is an entry in ClinVar:

NM_001271.4(CHD2):c.1242A>G (p.Leu414=)

Gene: CHD2 (chromodomain helicase DNA binding protein 2; plus strand). Cytogenetic location: 15q26.1.
Variant type: single nucleotide variant.
Coding change: c.1242A>G on transcript NM_001271.4 (MANE Select); coding-DNA position 1242, A replaced by G.
Protein change: p.Leu414=; no amino-acid change (leucine 414 retained).
Molecular consequence: synonymous variant.
Genome position (GRCh38, 1-based): chr15:92,946,081, A>G. VCF-style: chr15-92946081-A-G. GRCh37 (hg19) VCF-style: chr15-93489311-A-G.
Other names: c.1242A>G, p.Leu414= (NM_001042572.3).
Identifiers: ClinVar variation 1088877 (VCV001088877.33), dbSNP rs749255095, ClinGen allele CA7747764.

ClinVar aggregate classification (germline): Likely benign. Review status: criteria provided, multiple submitters, no conflicts (2 of 4 stars). 2 submissions from 2 submitters: Likely benign (2). Last evaluated 2025-06-22.

Conditions:
Developmental and epileptic encephalopathy 94 (DEE94). Also called: Epileptic encephalopathy, childhood-onset; CHD2-Related Neurodevelopmental Disorders. Identifiers: Orphanet 1942, Orphanet 2382, MedGen C3809278, MONDO:0014150, OMIM 615369.

Allele frequency attached by ClinVar (database versions not stated): ExAC 0.00002; gnomAD 0.00002; TOPMed 0.00002; gnomAD exomes 0.00003.
gnomAD v4.1: 16 of 1,610,400 alleles (0.00099%); highest among the groups gnomAD compares: South Asian, 0.0055%; no homozygotes.

Submissions (2):

Labcorp Genetics (formerly Invitae), Labcorp
Classification: Likely benign for Developmental and epileptic encephalopathy 94. Last evaluated: 2025-06-22. Review status: criteria provided, single submitter. Criteria: Invitae Variant Classification Sherloc (09022015). Collection method: clinical testing. Allele origin: germline.

CeGaT Center for Human Genetics Tuebingen
Classification: Likely benign. Last evaluated: 2023-03-01. Review status: criteria provided, single submitter. Criteria: CeGaT Center For Human Genetics Tuebingen Variant Classification Criteria Version 2. Collection method: clinical testing. Allele origin: germline. Affected: yes. Observed: 1 variant allele.
Comment: CHD2: BP4, BP7